The following is an entry in ClinVar:

ClinVar aggregate classification (germline): Pathogenic (1 of 4 stars; one submission).

Conditions:
Renpenning syndrome. Also called: SUTHERLAND-HAAN X-LINKED MENTAL RETARDATION SYNDROME; MENTAL RETARDATION, X-LINKED 55; MENTAL RETARDATION, X-LINKED, SYNDROMIC 8; Mental retardation, X-linked Renpenning type; X-linked mental retardation with spastic diplegia; X-linked mental retardation syndromic 3. Identifiers: Orphanet 3242, MedGen C0796135, MONDO:0010653, OMIM 309500.

Submission:

Department of Pediatrics, Fuyang People's Hospital of Anhui Medical University
Classification: Pathogenic for Renpenning syndrome. Last evaluated: 2018-07-01. Review status: criteria provided, single submitter. Criteria: ACMG Guidelines, 2015. Collection method: research. Allele origin: germline. Inheritance: X-linked recessive inheritance. Affected: yes. Observed: 1 variant allele.
Comment: This frameshift deletion (c.559delT) in the PQBP1 gene causes a premature stop codon (p.Tyr187Ilefs*8), predicted to result in a truncated protein or nonsense-mediated mRNA decay (PVS1). This variant is absent from population databases (1000 Genomes, ExAC, EVS) (PM2). The phenotype, including intellectual disability, microcephaly, and facial dysmorphism, is highly specific for Renpenning syndrome (PP4). The authors concluded that this mutation is likely a pathogenic variant according to ACMG guidelines. In summary, this variant meets criteria to be classified as Pathogenic for Renpenning syndrome based on the ACMG/AMP guidelines (PMID:25741868): PVS1, PM2, PP1, PP4.

Literature cited by the submitters: PubMed 30143497.

NM_001032382.2(PQBP1):c.559del (p.Tyr187fs)

Gene: PQBP1 (polyglutamine binding protein 1; plus strand). Cytogenetic location: Xp11.23.
Variant type: Deletion.
Coding change: c.559del on transcript NM_001032382.2 (MANE Select); coding-DNA position 559, one base deleted (T; older notation c.559delT).
Protein change: p.Tyr187fs; shifts the reading frame from tyrosine 187.
Molecular consequence: frameshift variant. On other transcripts: intron variant (2).
Genome position (GRCh38, 1-based): chrX:48,902,499, T deleted. VCF-style (leftmost placement, unchanged base first): chrX-48902498-CT-C. GRCh37 (hg19) VCF-style: chrX-48759775-CT-C.
Other names: c.559del, p.Tyr187fs (NM_001032381.2, NM_001032383.2, NM_001032384.1 and 2 more transcripts); c.535del, p.Tyr179fs (NM_001167990.2); c.259del, p.Tyr87fs (NM_001167992.1); c.293-233del (NM_144495.3, NM_001437502.1); c.559delT (NM_001032382.2); short protein forms Y179fs, Y187fs, Y87fs.
Identifiers: ClinVar variation 4795963 (VCV004795963.1).
Genomic context (GRCh38, chrX:48,902,498, plus strand): 5'-CAAGGCAGACCGGGAAGAGGGCAAAGAACGGCGCCACCATCGCCGGGAGGAGCTGGCTCC[CT>C]ATCCCAAGAGCAAGAAGGGTAAGCTGGGCAGAATGGGGCTCGGTGAGACCAACAAGGTGC-3'